The following is an entry in ClinVar:

NM_014000.3(VCL):c.1718C>A (p.Ala573Glu)

Gene: VCL (vinculin; plus strand). Cytogenetic location: 10q22.2.
Variant type: single nucleotide variant.
Coding change: c.1718C>A on transcript NM_014000.3 (MANE Select); coding-DNA position 1718, C replaced by A.
Protein change: p.Ala573Glu; replaces alanine 573 with glutamic acid.
Molecular consequence: missense variant.
Genome position (GRCh38, 1-based): chr10:74,095,830, C>A. VCF-style: chr10-74095830-C-A. GRCh37 (hg19) VCF-style: chr10-75855588-C-A.
Other names: c.1718C>A, p.Ala573Glu (NM_003373.4); short protein forms A573E.
Identifiers: ClinVar variation 3382299 (VCV003382299.2).

ClinVar aggregate classification (germline): Uncertain significance (1 of 4 stars; one submission).

Conditions:
Dilated cardiomyopathy 1W (CMD1W). Identifiers: Orphanet 154, MedGen C1969639, MONDO:0012667, OMIM 611407.
Hypertrophic cardiomyopathy 15. Identifiers: MedGen C2750459, MONDO:0013200, OMIM 613255.

Submission:

Juno Genomics, Hangzhou Juno Genomics, Inc
Classification: Uncertain significance for Dilated cardiomyopathy 1W; Hypertrophic cardiomyopathy 15. Review status: criteria provided, single submitter. Criteria: ACMG Guidelines, 2015. Collection method: clinical testing. Allele origin: germline. Affected: yes.
Comment: Absent from controls (or at extremely low frequency if recessive) in Genome Aggregation Database, Exome Sequencing Project, 1000 Genomes Project, or Exome Aggregation Consortium.;Multiple lines of computational evidence support a deleterious effect on the gene or gene product (conservation, evolutionary, splicing impact, etc).;Missense variant in a gene that has a low rate of benign missense variation and where missense variants are a common mechanism of disease.